The following is an entry in ClinVar:

ClinVar aggregate classification (germline): Likely benign (1 of 4 stars; one submission).

Allele frequency attached by ClinVar (database versions not stated): 1000 Genomes Project 30x 0.00078; 1000 Genomes Project 0.00080; ESP Exome Variant Server 0.00092; gnomAD exomes 0.00136; gnomAD 0.00158; TOPMed 0.00167; ExAC 0.00209.
gnomAD v4.1: 2,337 of 1,613,974 alleles (0.14%); highest among the groups gnomAD compares: Middle Eastern, 2.5%; 21 homozygotes.

Submission:

CeGaT Center for Human Genetics Tuebingen
Classification: Likely benign. Last evaluated: 2024-01-01. Review status: criteria provided, single submitter. Criteria: CeGaT Center For Human Genetics Tuebingen Variant Classification Criteria Version 2. Collection method: clinical testing. Allele origin: germline. Affected: yes. Observed: 2 variant alleles.
Comment: MAPKAPK2: BS2

NM_032960.4(MAPKAPK2):c.1081G>T (p.Ala361Ser)

Gene: MAPKAPK2 (MAPK activated protein kinase 2; plus strand). Cytogenetic location: 1q32.1.
Variant type: single nucleotide variant.
Coding change: c.1081G>T on transcript NM_032960.4 (MANE Select); coding-DNA position 1081, G replaced by T.
Protein change: p.Ala361Ser; replaces alanine 361 with serine.
Molecular consequence: missense variant. On other transcripts: 3 prime UTR variant (1).
Genome position (GRCh38, 1-based): chr1:206,732,596, G>T. VCF-style: chr1-206732596-G-T. GRCh37 (hg19) VCF-style: chr1-206905941-G-T.
Other names: c.*505G>T (NM_004759.5); short protein forms A361S.
Identifiers: ClinVar variation 2639864 (VCV002639864.24), dbSNP rs55894011, ClinGen allele CA1363667.